The following is an entry in ClinVar:

NM_001370658.1(BTD):c.1246G>A (p.Glu416Lys)

Gene: BTD (biotinidase; plus strand). Cytogenetic location: 3p25.1.
Variant type: single nucleotide variant.
Coding change: c.1246G>A on transcript NM_001370658.1 (MANE Select); coding-DNA position 1246, G replaced by A.
Protein change: p.Glu416Lys; replaces glutamic acid 416 with lysine.
Molecular consequence: missense variant. On other transcripts: intron variant (2).
Genome position (GRCh38, 1-based): chr3:15,645,162, G>A. VCF-style: chr3-15645162-G-A. GRCh37 (hg19) VCF-style: chr3-15686669-G-A.
Other names: c.1306G>A, p.Glu436Lys (NM_000060.4); c.1246G>A, p.Glu416Lys (NM_001281723.4, NM_001281724.3, NM_001281725.3 and 16 more transcripts); c.1015+231G>A (NM_001370752.1); c.399+3105G>A (NM_001370753.1); short protein forms E416K.
Identifiers: ClinVar variation 422496 (VCV000422496.17), dbSNP rs749460715, ClinGen allele CA2277452.

ClinVar aggregate classification (germline): Conflicting classifications of pathogenicity. Review status: criteria provided, conflicting classifications (1 of 4 stars). 5 submissions from 5 submitters: Likely pathogenic (3); Uncertain significance (2). Last evaluated 2024-12-17.

Conditions:
Biotinidase deficiency. Also called: BTD deficiency; Late-onset biotin-responsive multiple carboxylase deficiency; Biotin deficiency. Identifiers: Orphanet 79241, MedGen C0220754, MONDO:0009665, OMIM 253260.

Allele frequency attached by ClinVar (database versions not stated): gnomAD exomes below 0.00001 and 0.00003; gnomAD 0.00001 and 0.00002; TOPMed 0.00001; ExAC 0.00002.
gnomAD v4.1: 10 of 1,614,184 alleles (0.00062%); highest among the groups gnomAD compares: East Asian, 0.022%; no homozygotes.

Submissions (5):

Labcorp Genetics (formerly Invitae), Labcorp
Classification: Likely pathogenic for Biotinidase deficiency. Last evaluated: 2024-12-17. Review status: criteria provided, single submitter. Criteria: Invitae Variant Classification Sherloc (09022015). Collection method: clinical testing. Allele origin: germline.
Comment: This sequence change replaces glutamic acid, which is acidic and polar, with lysine, which is basic and polar, at codon 436 of the BTD protein (p.Glu436Lys). This variant is present in population databases (rs749460715, gnomAD 0.05%). This missense change has been observed in individual(s) with biotinidase deficiency (PMID: 30616616; internal data). In at least one individual the data is consistent with being in trans (on the opposite chromosome) from a pathogenic variant. ClinVar contains an entry for this variant (Variation ID: 422496). Invitae Evidence Modeling of protein sequence and biophysical properties (such as structural, functional, and spatial information, amino acid conservation, physicochemical variation, residue mobility, and thermodynamic stability) indicates that this missense variant is expected to disrupt BTD protein function with a positive predictive value of 95%. In summary, the currently available evidence indicates that the variant is pathogenic, but additional data are needed to prove that conclusively. Therefore, this variant has been classified as Likely Pathogenic.

Blueprint Genetics
Classification: Uncertain significance. Last evaluated: 2022-12-09. Review status: criteria provided, single submitter. Criteria: ACMG Guidelines, 2015. Collection method: clinical testing. Allele origin: germline.

Myriad Genetics, Inc.
Classification: Uncertain significance for Biotinidase deficiency. Last evaluated: 2021-11-08. Review status: criteria provided, single submitter. Criteria: Myriad Women's Health Autosomal Recessive and X-Linked Classification Criteria (2021). Collection method: clinical testing. Allele origin: unknown.
Comment: NM_000060.2(BTD):c.1306G>A(E436K) is a missense variant classified as a variant of uncertain significance in the context of biotinidase deficiency. E436K has been observed in cases with relevant disease (PMID: 30616616). Functional assessments of this variant are not available in the literature. E436K has been observed in population frequency databases (gnomAD: EAS 0.05%). In summary, there is insufficient evidence to classify NM_000060.2(BTD):c.1306G>A(E436K) as pathogenic or benign. Please note: this variant was assessed in the context of healthy population screening.

GeneDx
Classification: Likely pathogenic. Last evaluated: 2016-10-28. Review status: criteria provided, single submitter. Criteria: GeneDx Variant Classification (06012015). Collection method: clinical testing. Allele origin: germline. Affected: yes.
Comment: The E436K variant was not observed in approximately 6500 individuals of European and African American ancestry in the NHLBI Exome Sequencing Project, indicating it is not a common benign variant in these populations. The E436K variant is a non-conservative amino acid substitution, which is likely to impact secondary protein structure as these residues differ in polarity, charge, size and/or other properties. This substitution occurs at a position that is conserved across species. In silico analysis predicts this variant is probably damaging to the protein structure/function. In summary, based on the currently available information, it is unclear whether the E436K variant is a pathogenic variant or a rare benign variant.

Juno Genomics, Hangzhou Juno Genomics, Inc
Classification: Likely pathogenic for Biotinidase deficiency. Review status: criteria provided, single submitter. Criteria: ACMG Guidelines, 2015. Collection method: clinical testing. Allele origin: germline.
Comment: Absent from controls (or at extremely low frequency if recessive) in Genome Aggregation Database.;Multiple lines of computational evidence support a deleterious effect on the gene or gene product.;For recessive disorders, detected in trans with a pathogenic variant.;Patient's phenotype or family history is highly specific for a disease with a single genetic etiology.

Literature cited by the submitters: PubMed 30616616 (cited by Labcorp Genetics (formerly Invitae), Labcorp and Myriad Genetics, Inc.).